The following is an entry in ClinVar:

ClinVar aggregate classification (germline): Benign/Likely benign. Review status: criteria provided, multiple submitters, no conflicts (2 of 4 stars). 3 submissions from 3 submitters: Benign (1); Likely benign (2). Last evaluated 2025-05-05.

Conditions:
Pheochromocytoma/paraganglioma syndrome 5. Also called: Paragangliomas 5; SDHA-Related Hereditary Paraganglioma-Pheochromocytoma Syndrome. Identifiers: Orphanet 29072, MedGen C3279992, MONDO:0013602, OMIM 614165.
Mitochondrial complex II deficiency, nuclear type 1. Also called: SUCCINATE CoQ REDUCTASE DEFICIENCY. Identifiers: Orphanet 3208, MedGen C5700310, MONDO:0100294, OMIM 252011.
Hereditary cancer-predisposing syndrome. Also called: Tumor predisposition; Hereditary neoplastic syndrome; Neoplastic Syndromes, Hereditary; Hereditary Cancer Syndrome. Identifiers: Orphanet 140162, MedGen C0027672, MeSH D009386, MONDO:0015356.

Submissions (3):

Ambry Genetics
Classification: Likely benign for Hereditary cancer-predisposing syndrome. Last evaluated: 2025-05-05. Review status: criteria provided, single submitter. Criteria: Ambry Variant Classification Scheme 2023. Collection method: clinical testing. Allele origin: germline.

Myriad Genetics, Inc.
Classification: Benign for Pheochromocytoma/paraganglioma syndrome 5. Last evaluated: 2025-03-04. Review status: criteria provided, single submitter. Criteria: Myriad Autosomal Dominant, Autosomal Recessive and X-Linked Classification Criteria (2023). Collection method: clinical testing. Allele origin: unknown.
Comment: This variant is considered benign. This variant is a silent/synonymous amino acid change and it is not expected to impact splicing.

Labcorp Genetics (formerly Invitae), Labcorp
Classification: Likely benign for Pheochromocytoma/paraganglioma syndrome 5; Mitochondrial complex II deficiency, nuclear type 1. Last evaluated: 2018-09-27. Review status: criteria provided, single submitter. Criteria: Invitae Variant Classification Sherloc (09022015). Collection method: clinical testing. Allele origin: germline.

NM_004168.4(SDHA):c.939A>C (p.Gly313=)

Gene: SDHA (succinate dehydrogenase complex flavoprotein subunit A; plus strand). Cytogenetic location: 5p15.33.
Variant type: single nucleotide variant.
Coding change: c.939A>C on transcript NM_004168.4 (MANE Select); coding-DNA position 939, A replaced by C.
Protein change: p.Gly313=; no amino-acid change (glycine 313 retained).
Molecular consequence: synonymous variant.
Genome position (GRCh38, 1-based): chr5:233,520, A>C. VCF-style: chr5-233520-A-C. GRCh37 (hg19) VCF-style: chr5-233635-A-C.
Other names: c.939A>C (NM_004168.2); c.795A>C, p.Gly265= (NM_001294332.2); c.939A>C, p.Gly313= (NM_001330758.2).
Identifiers: ClinVar variation 754841 (VCV000754841.11), dbSNP rs1579402154, ClinGen allele CA442691670.
Genomic context (GRCh38, chr5:233,520, plus strand): 5'-TGTGTGGTTTTTTGCAGGCATATATGGTGCTGGTTGTCTCATTACGGAAGGATGTCGTGG[A>C]GAGGGAGGCATTCTCATTAACAGTCAAGGCGAAAGGTTTATGGAGCGATACGCCCCTGTC-3'
Protein context (NP_004159.2, residues 303-323): AGCLITEGCR[Gly313=]EGGILINSQG